The following is an entry in ClinVar:

ClinVar aggregate classification (germline): Uncertain significance (1 of 4 stars; one submission).

Submission:

GeneDx
Classification: Uncertain significance. Last evaluated: 2025-06-08. Review status: criteria provided, single submitter. Criteria: GeneDx Variant Classification Process June 2021. Collection method: clinical testing. Allele origin: germline. Affected: yes.
Comment: Not observed at significant frequency in large population cohorts (gnomAD); In silico analysis supports that this missense variant has a deleterious effect on protein structure/function; Has not been previously published as pathogenic or benign to our knowledge

NM_000875.5(IGF1R):c.818G>T (p.Gly273Val)

Gene: IGF1R (insulin like growth factor 1 receptor; plus strand). Cytogenetic location: 15q26.3.
Variant type: single nucleotide variant.
Coding change: c.818G>T on transcript NM_000875.5 (MANE Select); coding-DNA position 818, G replaced by T.
Protein change: p.Gly273Val; replaces glycine 273 with valine.
Molecular consequence: missense variant.
Genome position (GRCh38, 1-based): chr15:98,891,502, G>T. VCF-style: chr15-98891502-G-T. GRCh37 (hg19) VCF-style: chr15-99434731-G-T.
Other names: c.818G>T, p.Gly273Val (NM_001291858.2); short protein forms G273V.
Identifiers: ClinVar variation 2507072 (VCV002507072.2), dbSNP rs2151644603, ClinGen allele CA393666031.